The following is an entry in ClinVar:

ClinVar aggregate classification (germline): Uncertain significance. Review status: criteria provided, multiple submitters, no conflicts (2 of 4 stars). 6 submissions from 6 submitters: Uncertain significance (5). 1 of the submissions does not count toward it. Last evaluated 2025-06-06.

Conditions:
CFTR-related disorder (CFTR-RD). Also called: CFTR-related disorders; CFTR-related condition. Identifiers: MedGen C5924204, MONDO:7770004.
Cystic fibrosis (CF). Also called: MUCOVISCIDOSIS. Identifiers: Orphanet 586, MedGen C0010674, MONDO:0009061, OMIM 219700. Disease mechanism: loss of function.

Allele frequency attached by ClinVar (database versions not stated): gnomAD exomes 0.00001.
gnomAD v4.1: 9 of 1,544,030 alleles (0.00058%); highest among the groups gnomAD compares: Non-Finnish European, 0.00078%; no homozygotes.

Submissions (6):

Ambry Genetics
Classification: Uncertain significance for Cystic fibrosis. Last evaluated: 2025-06-06. Review status: criteria provided, single submitter. Criteria: Ambry Variant Classification Scheme 2023. Collection method: clinical testing. Allele origin: germline.
Comment: The p.S776L variant (also known as c.2327C>T), located in coding exon 14 of the CFTR gene, results from a C to T substitution at nucleotide position 2327. The serine at codon 776 is replaced by leucine, an amino acid with dissimilar properties. This amino acid position is not well conserved in available vertebrate species. In addition, the in silico prediction for this alteration is inconclusive. Based on the available evidence, the clinical significance of this variant remains unclear.

Labcorp Genetics (formerly Invitae), Labcorp
Classification: Uncertain significance for Cystic fibrosis. Last evaluated: 2022-05-03. Review status: criteria provided, single submitter. Criteria: Invitae Variant Classification Sherloc (09022015). Collection method: clinical testing. Allele origin: germline.
Comment: This sequence change replaces serine, which is neutral and polar, with leucine, which is neutral and non-polar, at codon 776 of the CFTR protein (p.Ser776Leu). This variant is present in population databases (no rsID available, gnomAD 0.001%). This variant has not been reported in the literature in individuals affected with CFTR-related conditions. ClinVar contains an entry for this variant (Variation ID: 495908). Algorithms developed to predict the effect of missense changes on protein structure and function are either unavailable or do not agree on the potential impact of this missense change (SIFT: "Deleterious"; PolyPhen-2: "Possibly Damaging"; Align-GVGD: "Class C0"). In summary, the available evidence is currently insufficient to determine the role of this variant in disease. Therefore, it has been classified as a Variant of Uncertain Significance.

Genome-Nilou Lab
Classification: Uncertain significance for Cystic fibrosis. Last evaluated: 2021-09-05. Review status: criteria provided, single submitter. Criteria: ACMG Guidelines, 2015. Collection method: clinical testing. Allele origin: germline. Affected: no.

ARUP Laboratories, Molecular Genetics and Genomics, ARUP Laboratories
Classification: Uncertain significance. Last evaluated: 2018-05-03. Review status: criteria provided, single submitter. Criteria: ARUP Molecular Germline Variant Investigation Process. Collection method: clinical testing. Allele origin: germline.
Comment: The CFTR c.2327C>T; p.Ser776Leu variant (rs397508365), to our knowledge, is not reported in the medical literature but is described as a variant of uncertain clinical significance by at least one laboratory in ClinVar (Variation ID: 495908) and is observed in the general population at a low overall frequency of 0.0005% (1/189186 alleles) in the Genome Aggregation Database. The serine at codon 776 is weakly conserved and computational algorithms (PolyPhen-2, SIFT) predict this variant to be tolerated. Due to lack of clinical or functional data regarding this variant, its clinical significance cannot be determined with certainty.

Women's Health and Genetics/Laboratory Corporation of America, LabCorp
Classification: Uncertain significance. Last evaluated: 2016-04-29. Review status: criteria provided, single submitter. Criteria: LabCorp Variant Classification Summary - May 2015. Collection method: clinical testing. Allele origin: germline.
Comment: Variant summary: The CFTR c.2327C>T variant affects a conserved nucleotide, resulting in an amino acid change from Ser to Leu. 4/5 in-silico tools predict this variant to be damaging. This variant was not found in 110966 control chromosomes. The variant of interest has not, to our knowledge, been reported in affected individuals via publications and/or reputable databases/clinical laboratories; nor evaluated for functional impact by in vivo/vitro studies. Because of the absence of clinical information and the lack of functional studies, the variant was classified as a variant of uncertain significance (VUS) until additional information becomes available.

Natera, Inc.
Classification: Uncertain significance for CFTR-related disorders. Last evaluated: 2018-09-19. Review status: no assertion criteria provided. Collection method: clinical testing. Allele origin: germline. Not counted in ClinVar's aggregate classification.

NM_000492.4(CFTR):c.2327C>T (p.Ser776Leu)

Gene: CFTR (CF transmembrane conductance regulator; plus strand). Cytogenetic location: 7q31.2.
Variant type: single nucleotide variant.
Coding change: c.2327C>T on transcript NM_000492.4 (MANE Select); coding-DNA position 2327, C replaced by T.
Protein change: p.Ser776Leu; replaces serine 776 with leucine.
Molecular consequence: missense variant.
Genome position (GRCh38, 1-based): chr7:117,592,494, C>T. VCF-style: chr7-117592494-C-T. GRCh37 (hg19) VCF-style: chr7-117232548-C-T.
Other names: short protein forms S776L.
Identifiers: ClinVar variation 495908 (VCV000495908.15), dbSNP rs397508365, ClinGen allele CA368980985.